The following is an entry in ClinVar:

ClinVar aggregate classification (germline): Uncertain significance (1 of 4 stars; one submission).

Allele frequency attached by ClinVar (database versions not stated): gnomAD exomes below 0.00001.
gnomAD v4.1: 3 of 1,551,696 alleles (0.00019%); highest among the groups gnomAD compares: Non-Finnish European, 0.00026%; no homozygotes.

Submission:

GeneDx
Classification: Uncertain significance. Last evaluated: 2023-07-17. Review status: criteria provided, single submitter. Criteria: GeneDx Variant Classification Process June 2021. Collection method: clinical testing. Allele origin: germline. Affected: yes.
Comment: Not observed at significant frequency in large population cohorts (gnomAD); In silico analysis supports that this missense variant has a deleterious effect on protein structure/function; Has not been previously published as pathogenic or benign to our knowledge

NM_002739.5(PRKCG):c.1789C>T (p.Arg597Cys)

Gene: PRKCG (protein kinase C gamma; plus strand). Cytogenetic location: 19q13.42.
Variant type: single nucleotide variant.
Coding change: c.1789C>T on transcript NM_002739.5 (MANE Select); coding-DNA position 1789, C replaced by T.
Protein change: p.Arg597Cys; replaces arginine 597 with cysteine.
Molecular consequence: missense variant.
Genome position (GRCh38, 1-based): chr19:53,906,341, C>T. VCF-style: chr19-53906341-C-T. GRCh37 (hg19) VCF-style: chr19-54409595-C-T.
Other names: c.1789C>T, p.Arg597Cys (NM_001316329.2); short protein forms R597C.
Identifiers: ClinVar variation 2572741 (VCV002572741.1), dbSNP rs2514585908, ClinGen allele CA407420047.